The following is an entry in ClinVar:

NM_000088.4(COL1A1):c.3065G>C (p.Gly1022Ala)

Gene: COL1A1 (collagen type I alpha 1 chain; minus strand). Cytogenetic location: 17q21.33.
Variant type: single nucleotide variant.
Coding change: c.3065G>C on transcript NM_000088.4 (MANE Select); coding-DNA position 3065, G replaced by C.
Protein change: p.Gly1022Ala; replaces glycine 1022 with alanine.
Molecular consequence: missense variant.
Genome position (GRCh38, 1-based): chr17:50,188,776, C>G on the plus strand (G>C on the coding strand, the complement: COL1A1 is on the minus strand). VCF-style: chr17-50188776-C-G. GRCh37 (hg19) VCF-style: chr17-48266137-C-G.
Other names: short protein forms G1022A.
Identifiers: ClinVar variation 499457 (VCV000499457.20), dbSNP rs67771061, ClinGen allele CA291543082.

ClinVar aggregate classification (germline): Pathogenic. Review status: criteria provided, multiple submitters, no conflicts (2 of 4 stars). 4 submissions from 4 submitters: Pathogenic (4). Last evaluated 2026-09-17.

Conditions:
Osteogenesis imperfecta with normal sclerae, dominant form (OI4). Also called: OSTEOGENESIS IMPERFECTA, TYPE IV, WITH DENTINOGENESIS IMPERFECTA; Common Variable Osteogenesis Imperfecta with Normal Sclerae; OSTEOGENESIS IMPERFECTA WITH NORMAL SCLERAE; Osteogenesis imperfecta type 4; Osteogenesis Imperfecta Type IV. Identifiers: Orphanet 216820, Orphanet 666, MedGen C0268363, MONDO:0008148, OMIM 166220.
Osteogenesis imperfecta type I (OI1). Also called: Classic Non-deforming Osteogenesis Imperfecta with Blue Sclerae; OI, TYPE I; OSTEOGENESIS IMPERFECTA TARDA; OSTEOGENESIS IMPERFECTA WITH BLUE SCLERAE; Osteogenesis imperfecta type 1; Lobstein's Disease. Identifiers: Orphanet 216796, Orphanet 666, MedGen C0023931, MONDO:0008146, OMIM 166200. Disease mechanism: loss of function.
Osteogenesis imperfecta, perinatal lethal (OI2). Also called: OSTEOGENESIS IMPERFECTA, TYPE II; Osteogenesis imperfecta type 2; Osteogenesis imperfecta, dominant perinatal lethal; OI, TYPE II; OSTEOGENESIS IMPERFECTA CONGENITA; VROLIK TYPE OF OSTEOGENESIS IMPERFECTA. Identifiers: Orphanet 216804, MedGen C0268358, MONDO:0008147, OMIM 166210.
Osteogenesis imperfecta type III (OI3). Also called: Progressively Deforming Osteogenesis Imperfecta; Osteogenesis imperfecta type 3; OI type 3; Osteogenesis imperfecta, progressively deforming with normal sclerae; OI type III. Identifiers: Orphanet 216812, Orphanet 666, MedGen C0268362, MONDO:0009804, OMIM 259420.

Allele frequency attached by ClinVar (database versions not stated): gnomAD exomes below 0.00001; TOPMed below 0.00001.
gnomAD v4.1: 1 of 1,614,074 alleles (0.000062%); highest among the groups gnomAD compares: Non-Finnish European, 0.000085%; no homozygotes.

Submissions (4):

GeneDx
Classification: Pathogenic. Last evaluated: 2026-09-17. Review status: criteria provided, single submitter. Criteria: GeneDx Variant Classification Process June 2021. Collection method: clinical testing. Allele origin: germline.
Comment: Occurs in the triple helical domain and replaces a glycine in a canonical Gly-X-Y repeat; missense substitution of a canonical glycine residue is expected to disrupt normal protein folding and function, and this is an established mechanism of disease (PMID: 34007986); Not observed at significant frequency in large population cohorts (gnomAD); In silico analysis supports that this missense variant has a deleterious effect on protein structure/function; This variant is associated with the following publications: (PMID: 18798308, 34007986, 17078022, 33939306, 22589248)

Labcorp Genetics (formerly Invitae), Labcorp
Classification: Pathogenic for Osteogenesis imperfecta type I. Last evaluated: 2025-09-22. Review status: criteria provided, single submitter. Criteria: Invitae Variant Classification Sherloc (09022015). Collection method: clinical testing. Allele origin: germline.
Comment: This sequence change replaces glycine, which is neutral and non-polar, with alanine, which is neutral and non-polar, at codon 1022 of the COL1A1 protein (p.Gly1022Ala). This variant is not present in population databases (gnomAD no frequency). This missense change has been observed in individuals with osteogenesis imperfecta (PMID: 17078022, 18798308, 22589248). This variant is also known as p.Gly844Ala. ClinVar contains an entry for this variant (Variation ID: 499457). Invitae Evidence Modeling of protein sequence and biophysical properties (such as structural, functional, and spatial information, amino acid conservation, physicochemical variation, residue mobility, and thermodynamic stability) indicates that this missense variant is expected to disrupt COL1A1 protein function with a positive predictive value of 95%. This variant disrupts the triple helix domain of COL1A1. Glycine residues within the Gly-Xaa-Yaa repeats of the triple helix domain are required for the structure and stability of fibrillar collagens (PMID: 7695699, 8218237, 19344236). In COL1A1, variants affecting these glycine residues are significantly enriched in individuals with disease (PMID: 9016532, 17078022) compared to the general population (ExAC). For these reasons, this variant has been classified as Pathogenic.

Eurofins Ntd Llc (ga)
Classification: Pathogenic. Last evaluated: 2017-01-25. Review status: criteria provided, single submitter. Criteria: EGL Classification Definitions 2015. Collection method: clinical testing. Allele origin: germline. Observed: 1 variant allele, 1 heterozygote.

Juno Genomics, Hangzhou Juno Genomics, Inc
Classification: Pathogenic for Osteogenesis imperfecta type I; Osteogenesis imperfecta, perinatal lethal; Osteogenesis imperfecta type III; Osteogenesis imperfecta with normal sclerae, dominant form. Review status: criteria provided, single submitter. Criteria: ACMG Guidelines, 2015. Collection method: clinical testing. Allele origin: germline. Affected: yes.
Comment: Absent from controls (or at extremely low frequency if recessive) in Genome Aggregation Database.;The prevalence of the variant in affected individuals is significantly increased compared to the prevalence in controls.;Patient's phenotype or family history is highly specific for a disease with a single genetic etiology.;Novel missense change at an amino acid residue where a different missense change determined to be pathogenic has been seen before.;Multiple lines of computational evidence support a deleterious effect on the gene or gene product.;Missense variant in a gene that has a low rate of benign missense variation.

Literature cited by the submitters: PubMed 17078022 (cited by Labcorp Genetics (formerly Invitae), Labcorp and Eurofins Ntd Llc (ga)); PubMed 18798308 (cited by Labcorp Genetics (formerly Invitae), Labcorp and Eurofins Ntd Llc (ga)); PubMed 22589248 (cited by Labcorp Genetics (formerly Invitae), Labcorp); PubMed 7695699 (cited by Labcorp Genetics (formerly Invitae), Labcorp); PubMed 8218237 (cited by Labcorp Genetics (formerly Invitae), Labcorp); PubMed 19344236 (cited by Labcorp Genetics (formerly Invitae), Labcorp); PubMed 9016532 (cited by Labcorp Genetics (formerly Invitae), Labcorp).